The following is an entry in ClinVar:

ClinVar aggregate classification (germline): Pathogenic (1 of 4 stars; one submission).

Conditions:
Hereditary nonpolyposis colorectal neoplasms. Identifiers: MedGen C0009405, MeSH D003123.

Submission:

Labcorp Genetics (formerly Invitae), Labcorp
Classification: Pathogenic for Hereditary nonpolyposis colorectal neoplasms. Last evaluated: 2026-01-20. Review status: criteria provided, single submitter. Criteria: Invitae Variant Classification Sherloc (09022015). Collection method: clinical testing. Allele origin: germline.
Comment: This sequence change inserts a large fragment of DNA, likely a transposable element, in exon 4 of the MSH6 gene (c.3141_3142ins?), causing a frameshift at codon 1048 (p.Gln1048fs). The exact size and sequence of the insertion cannot be determined by the current assay. However, the insertion is expected to result in an absent or disrupted protein product. This variant is not present in population databases (gnomAD no frequency). This variant has not been reported in the literature in individuals affected with MSH6-related conditions. Retrotransposon insertions including LINE1 (L1), Alu, and SVA (SINE-VNTR-Alu) have been reported to be disease-causing through disruption of either a coding region or splice site (PMID: 19763152, 20307669, 22406018) and loss-of-function variants in MSH6 are known to be pathogenic (PMID: 18269114, 24362816). For these reasons, this variant has been classified as Pathogenic.

Literature cited by the submitters: PubMed 19763152; PubMed 20307669; PubMed 22406018; PubMed 18269114; PubMed 24362816.

NM_000179.3(MSH6):c.3141_3142insTCCCGTCTCCCTCTCCCTCTCCCGTCTCCCTCTCCCTCTCCCGTCTCCCTCTCCCTCTCCCGTCTCCCTCTCCCAAAAAAAAAAAAAAAAAAAAAAAAATTACAAGGACTGG (p.Gln1048fs)

Gene: MSH6 (mutS homolog 6; plus strand). Cytogenetic location: 2p16.3.
Variant type: Microsatellite.
Coding change: c.3141_3142insTCCCGTCTCCCTCTCCCTCTCCCGTCTCCCTCTCCCTCTCCCGTCTCCCTCTCCCTCTCCCGTCTCCCTCTCCCAAAAAAAAAAAAAAAAAAAAAAAAATTACAAGGACTGG on transcript NM_000179.3 (MANE Select); coding-DNA positions 3141 to 3142, TCCCGTCTCCCTCTCCCTCTCCCGTCTCCCTCTCCCTCTCCCGTCTCCCTCTCCCTCTCCCGTCTCCCTCTCCCAAAAAAAAAAAAAAAAAAAAAAAAATTACAAGGACTGG inserted.
Protein change: p.Gln1048fs; shifts the reading frame from glutamine 1048.
Molecular consequence: frameshift variant. On other transcripts: non-coding transcript variant (5), intron variant (2).
Genome position: GRCh38: chr2:47,801,107-47,801,124. GRCh37 (hg19), VCF-style position (the base before the change): chr2:48,028,245.
Other names: c.2751_2752insTCCCGTCTCCCTCTCCCTCTCCCGTCTCCCTCTCCCTCTCCCGTCTCCCTCTCCCTCTCCCGTCTCCCTCTCCCAAAAAAAAAAAAAAAAAAAAAAAAATTACAAGGACTGG, p.Gln918fs (NM_001281492.2); c.2235_2236insTCCCGTCTCCCTCTCCCTCTCCCGTCTCCCTCTCCCTCTCCCGTCTCCCTCTCCCTCTCCCGTCTCCCTCTCCCAAAAAAAAAAAAAAAAAAAAAAAAATTACAAGGACTGG, p.Gln746fs (NM_001281493.2, NM_001281494.2, NM_001406811.1 and 6 more transcripts); c.3237_3238insTCCCGTCTCCCTCTCCCTCTCCCGTCTCCCTCTCCCTCTCCCGTCTCCCTCTCCCTCTCCCGTCTCCCTCTCCCAAAAAAAAAAAAAAAAAAAAAAAAATTACAAGGACTGG, p.Gln1080fs (NM_001406795.1, NM_001406802.1); c.3141_3142insTCCCGTCTCCCTCTCCCTCTCCCGTCTCCCTCTCCCTCTCCCGTCTCCCTCTCCCTCTCCCGTCTCCCTCTCCCAAAAAAAAAAAAAAAAAAAAAAAAATTACAAGGACTGG, p.Gln1048fs (NM_001406796.1, NM_001406798.1, NM_001406800.1 and 2 more transcripts); c.2844_2845insTCCCGTCTCCCTCTCCCTCTCCCGTCTCCCTCTCCCTCTCCCGTCTCCCTCTCCCTCTCCCGTCTCCCTCTCCCAAAAAAAAAAAAAAAAAAAAAAAAATTACAAGGACTGG, p.Gln949fs (NM_001406797.1, NM_001406801.1, NM_001406805.1 and 10 more transcripts); c.2616_2617insTCCCGTCTCCCTCTCCCTCTCCCGTCTCCCTCTCCCTCTCCCGTCTCCCTCTCCCTCTCCCGTCTCCCTCTCCCAAAAAAAAAAAAAAAAAAAAAAAAATTACAAGGACTGG, p.Gln873fs (NM_001406799.1, NM_001406806.1, NM_001406807.1); c.3063_3064insTCCCGTCTCCCTCTCCCTCTCCCGTCTCCCTCTCCCTCTCCCGTCTCCCTCTCCCTCTCCCGTCTCCCTCTCCCAAAAAAAAAAAAAAAAAAAAAAAAATTACAAGGACTGG, p.Gln1022fs (NM_001406804.1); c.3147_3148insTCCCGTCTCCCTCTCCCTCTCCCGTCTCCCTCTCCCTCTCCCGTCTCCCTCTCCCTCTCCCGTCTCCCTCTCCCAAAAAAAAAAAAAAAAAAAAAAAAATTACAAGGACTGG, p.Gln1050fs (NM_001406813.1); and 4 more; short protein forms Q1022fs, Q873fs, Q992fs, Q1050fs, Q1080fs, Q746fs, Q918fs, Q949fs.
Identifiers: ClinVar variation 4730231 (VCV004730231.1).